The following is an entry in ClinVar:

NM_003742.4(ABCB11):c.1987G>A (p.Ala663Thr)

Gene: ABCB11 (ATP binding cassette subfamily B member 11; minus strand). Cytogenetic location: 2q31.1.
Variant type: single nucleotide variant.
Coding change: c.1987G>A on transcript NM_003742.4 (MANE Select); coding-DNA position 1987, G replaced by A.
Protein change: p.Ala663Thr; replaces alanine 663 with threonine.
Molecular consequence: missense variant.
Genome position (GRCh38, 1-based): chr2:168,969,374, C>T on the plus strand (G>A on the coding strand, the complement: ABCB11 is on the minus strand). VCF-style: chr2-168969374-C-T. GRCh37 (hg19) VCF-style: chr2-169825884-C-T.
Other names: p.Ala663Thr; c.1987G>A (NM_003742.2); short protein forms A663T.
Identifiers: ClinVar variation 1088806 (VCV001088806.11), dbSNP rs371319925, ClinGen allele CA1951415.

ClinVar aggregate classification (germline): Conflicting classifications of pathogenicity. Review status: criteria provided, conflicting classifications (1 of 4 stars). 4 submissions from 4 submitters: Uncertain significance (3); Likely benign (1). Last evaluated 2026-01-28.

Conditions:
Inborn genetic diseases. Identifiers: MedGen C0950123, MeSH D030342.
ABCB11-related disorder. Also called: ABCB11-related condition.

Allele frequency attached by ClinVar (database versions not stated): TOPMed 0.00005; ESP Exome Variant Server 0.00008; gnomAD 0.00008 and 0.00009; gnomAD exomes 0.00008 and 0.00014; ExAC 0.00009.
gnomAD v4.1: 212 of 1,612,156 alleles (0.013%); highest among the groups gnomAD compares: Non-Finnish European, 0.016%; no homozygotes.

Submissions (4):

Labcorp Genetics (formerly Invitae), Labcorp
Classification: Likely benign. Last evaluated: 2026-01-28. Review status: criteria provided, single submitter. Criteria: Invitae Variant Classification Sherloc (09022015). Collection method: clinical testing. Allele origin: germline.

Mayo Clinic Laboratories, Mayo Clinic
Classification: Uncertain significance. Last evaluated: 2025-10-06. Review status: criteria provided, single submitter. Criteria: ACMG Guidelines, 2015. Collection method: clinical testing. Allele origin: germline. Observed: 1 variant allele.
Comment: BP4_moderate, PM2_supporting

Ambry Genetics
Classification: Uncertain significance for Inborn genetic diseases. Last evaluated: 2025-07-01. Review status: criteria provided, single submitter. Criteria: Ambry Variant Classification Scheme 2023. Collection method: clinical testing. Allele origin: germline.

PreventionGenetics, part of Exact Sciences
Classification: Uncertain significance for ABCB11-related condition. Last evaluated: 2022-10-26. Review status: criteria provided, single submitter. Criteria: ACMG Guidelines, 2015. Collection method: clinical testing. Allele origin: germline.
Comment: The ABCB11 c.1987G>A variant is predicted to result in the amino acid substitution p.Ala663Thr. To our knowledge, this variant has not been reported in the literature. This variant is reported in 0.016% of alleles in individuals of European (Finnish) descent in gnomAD. At this time, the clinical significance of this variant is uncertain due to the absence of conclusive functional and genetic evidence.